The following is an entry in ClinVar:

NM_199420.4(POLQ):c.6436A>G (p.Asn2146Asp)

Gene: POLQ (DNA polymerase theta; minus strand). Cytogenetic location: 3q13.33.
Variant type: single nucleotide variant.
Coding change: c.6436A>G on transcript NM_199420.4 (MANE Select); coding-DNA position 6436, A replaced by G.
Protein change: p.Asn2146Asp; replaces asparagine 2146 with aspartic acid.
Molecular consequence: missense variant.
Genome position (GRCh38, 1-based): chr3:121,473,457, T>C on the plus strand (A>G on the coding strand, the complement: POLQ is on the minus strand). VCF-style: chr3-121473457-T-C. GRCh37 (hg19) VCF-style: chr3-121192304-T-C.
Other names: short protein forms N2146D.
Identifiers: ClinVar variation 1753516 (VCV001753516.2), dbSNP rs780422736, ClinGen allele CA2562464.

ClinVar aggregate classification (germline): Uncertain significance (1 of 4 stars; one submission).

Allele frequency attached by ClinVar (database versions not stated): gnomAD exomes below 0.00001; ExAC 0.00001; TOPMed 0.00001.
gnomAD v4.1: 5 of 1,613,480 alleles (0.00031%); highest among the groups gnomAD compares: South Asian, 0.0011%; no homozygotes.

Submission:

Ambry Genetics
Classification: Uncertain significance. Last evaluated: 2023-11-01. Review status: criteria provided, single submitter. Criteria: Ambry Variant Classification Scheme 2023. Collection method: clinical testing. Allele origin: germline.
Comment: The p.N2146D variant (also known as c.6436A>G), located in coding exon 21 of the POLQ gene, results from an A to G substitution at nucleotide position 6436. The asparagine at codon 2146 is replaced by aspartic acid, an amino acid with highly similar properties. This amino acid position is conserved. In addition, this alteration is predicted to be tolerated by in silico analysis. Since supporting evidence is limited at this time, the clinical significance of this alteration remains unclear.